The following is an entry in ClinVar:

ClinVar aggregate classification (germline): Likely benign. Review status: criteria provided, multiple submitters, no conflicts (2 of 4 stars). 2 submissions from 2 submitters: Likely benign (2). Last evaluated 2018-01-12.

Conditions:
Autosomal recessive juvenile Parkinson disease 2. Also called: PARKINSON DISEASE, JUVENILE, AUTOSOMAL RECESSIVE; Parkinson disease autosomal recessive, early onset; Juvenile parkinsonism; Parkinsonism, early onset, with diurnal fluctuation; PRKN-Related Early-Onset Parkinson Disease; Parkinson disease, juvenile, type 2. Identifiers: Orphanet 2828, MedGen C1868675, MONDO:0010820, OMIM 600116.

Allele frequency attached by ClinVar (database versions not stated): gnomAD exomes 0.00620; gnomAD 0.01179 and 0.01211; TOPMed 0.01411; 1000 Genomes Project 30x 0.02217; 1000 Genomes Project 0.02356.
gnomAD v4.1: 2,208 of 207,410 alleles (1.1%); highest among the groups gnomAD compares: African/African-American, 3%; 21 homozygotes.

Submissions (2):

Illumina Laboratory Services, Illumina
Classification: Likely benign for Autosomal recessive juvenile Parkinson disease 2. Last evaluated: 2018-01-12. Review status: criteria provided, single submitter. Criteria: ICSL Variant Classification Criteria 13 December 2019. Collection method: clinical testing. Allele origin: germline.
Comment: This variant was observed in the ICSL laboratory as part of a predisposition screen in an ostensibly healthy population. It had not been previously curated by ICSL or reported in the Human Gene Mutation Database (HGMD: prior to June 1st, 2018), and was therefore a candidate for classification through an automated scoring system. Utilizing variant allele frequency, disease prevalence and penetrance estimates, and inheritance mode, an automated score was calculated to assess if this variant is too frequent to cause the disease. Based on the score and internal cut-off values, a variant classified as likely benign is not then subjected to further curation. The score for this variant resulted in a classification of likely benign for this disease.

Breakthrough Genomics
Classification: Likely benign. Review status: criteria provided, single submitter. Criteria: ACMG Guidelines, 2015. Collection method: not provided. Allele origin: germline. Inheritance: Autosomal recessive inheritance. Affected: yes.

NM_004562.3(PRKN):c.*1252C>T

Gene: PRKN (parkin RBR E3 ubiquitin protein ligase; minus strand). Cytogenetic location: 6q26.
Variant type: single nucleotide variant.
Coding change: c.*1252C>T on transcript NM_004562.3 (MANE Select); 1252 bases downstream of the stop codon, C replaced by T.
Molecular consequence: 3 prime UTR variant.
Genome position (GRCh38, 1-based): chr6:161,348,847, G>A on the plus strand (C>T on the coding strand, the complement: PRKN is on the minus strand). VCF-style: chr6-161348847-G-A. GRCh37 (hg19) VCF-style: chr6-161769879-G-A.
Other names: c.*1252C>T (NM_013987.3, NM_013988.3).
Identifiers: ClinVar variation 356000 (VCV000356000.6), dbSNP rs77926621, ClinGen allele CA10621740.